The following is an entry in ClinVar:

ClinVar aggregate classification (germline): Uncertain significance (1 of 4 stars; one submission).

Submission:

GeneDx
Classification: Uncertain significance. Last evaluated: 2019-02-01. Review status: criteria provided, single submitter. Criteria: GeneDx Variant Classification Process June 2021. Collection method: clinical testing. Allele origin: germline. Affected: yes.
Comment: Not observed in large population cohorts (Lek et al., 2016); In silico analysis, which includes protein predictors and evolutionary conservation, supports a deleterious effect; This variant is associated with the following publications: (PMID: 21288162)

NM_002709.3(PPP1CB):c.748G>A (p.Val250Met)

Gene: PPP1CB (protein phosphatase 1 catalytic subunit beta; plus strand). Cytogenetic location: 2p23.2.
Variant type: single nucleotide variant.
Coding change: c.748G>A on transcript NM_002709.3 (MANE Select); coding-DNA position 748, G replaced by A.
Protein change: p.Val250Met; replaces valine 250 with methionine.
Molecular consequence: missense variant.
Genome position (GRCh38, 1-based): chr2:28,793,866, G>A. VCF-style: chr2-28793866-G-A. GRCh37 (hg19) VCF-style: chr2-29016732-G-A.
Other names: c.748G>A, p.Val250Met (NM_206876.2); short protein forms V250M.
Identifiers: ClinVar variation 1304976 (VCV001304976.2), dbSNP rs2148060397, ClinGen allele CA346583494.